The following is an entry in ClinVar:

ClinVar aggregate classification (germline): Likely benign. Review status: criteria provided, multiple submitters, no conflicts (2 of 4 stars). 2 submissions from 2 submitters: Likely benign (2). Last evaluated 2022-07-01.

Conditions:
Mowat-Wilson syndrome (MOWS). Also called: Classic Mowat-Wilson Syndrome. Identifiers: Orphanet 2152, MedGen C1856113, MONDO:0009341, OMIM 235730.

Allele frequency attached by ClinVar (database versions not stated): gnomAD exomes below 0.00001; ExAC 0.00001.
gnomAD v4.1: 1 of 1,614,154 alleles (0.000062%); highest among the groups gnomAD compares: Non-Finnish European, 0.000085%; no homozygotes.

Submissions (2):

CeGaT Center for Human Genetics Tuebingen
Classification: Likely benign. Last evaluated: 2022-07-01. Review status: criteria provided, single submitter. Criteria: CeGaT Center For Human Genetics Tuebingen Variant Classification Criteria Version 2. Collection method: clinical testing. Allele origin: germline. Affected: yes. Observed: 1 variant allele.
Comment: ZEB2: BP4

Labcorp Genetics (formerly Invitae), Labcorp
Classification: Likely benign for Mowat-Wilson syndrome. Last evaluated: 2022-03-26. Review status: criteria provided, single submitter. Criteria: Invitae Variant Classification Sherloc (09022015). Collection method: clinical testing. Allele origin: germline.

NM_014795.4(ZEB2):c.2025G>A (p.Leu675=)

Gene: ZEB2 (zinc finger E-box binding homeobox 2; minus strand). Cytogenetic location: 2q22.3.
Variant type: single nucleotide variant.
Coding change: c.2025G>A on transcript NM_014795.4 (MANE Select); coding-DNA position 2025, G replaced by A.
Protein change: p.Leu675=; no amino-acid change (leucine 675 retained).
Molecular consequence: synonymous variant.
Genome position (GRCh38, 1-based): chr2:144,399,162, C>T on the plus strand (G>A on the coding strand, the complement: ZEB2 is on the minus strand). VCF-style: chr2-144399162-C-T. GRCh37 (hg19) VCF-style: chr2-145156729-C-T.
Other names: c.1953G>A, p.Leu651= (NM_001171653.2).
Identifiers: ClinVar variation 2115406 (VCV002115406.28), dbSNP rs766681099, ClinGen allele CA1898283.